The following is an entry in ClinVar:

ClinVar aggregate classification (germline): Likely benign. Review status: criteria provided, single submitter (1 of 4 stars). 2 submissions from 2 submitters: Likely benign (1). 1 of the submissions does not count toward it. Last evaluated 2024-04-25.

Conditions:
TUB-related disorder. Also called: TUB-related condition.

Submissions (2):

Labcorp Genetics (formerly Invitae), Labcorp
Classification: Likely benign. Last evaluated: 2024-04-25. Review status: criteria provided, single submitter. Criteria: Invitae Variant Classification Sherloc (09022015). Collection method: clinical testing. Allele origin: germline.

PreventionGenetics, part of Exact Sciences
Classification: Likely benign for TUB-related condition. Last evaluated: 2024-03-27. Review status: no assertion criteria provided. Collection method: clinical testing. Allele origin: germline. Not counted in ClinVar's aggregate classification.
Comment: This variant is classified as likely benign based on ACMG/AMP sequence variant interpretation guidelines (Richards et al. 2015 PMID: 25741868, with internal and published modifications).

NM_177972.3(TUB):c.105G>A (p.Glu35=)

Gene: TUB (TUB bipartite transcription factor; plus strand). Cytogenetic location: 11p15.4.
Variant type: single nucleotide variant.
Coding change: c.105G>A on transcript NM_177972.3 (MANE Select); coding-DNA position 105, G replaced by A.
Protein change: p.Glu35=; no amino-acid change (glutamic acid 35 retained).
Molecular consequence: synonymous variant.
Genome position (GRCh38, 1-based): chr11:8,090,083, G>A. VCF-style: chr11-8090083-G-A. GRCh37 (hg19) VCF-style: chr11-8111630-G-A.
Other names: c.270G>A (NM_003320.4); c.270G>A, p.Glu90= (NM_003320.5).
Identifiers: ClinVar variation 1647031 (VCV001647031.9), dbSNP rs2133833549, ClinGen allele CA473009044.